The following is an entry in ClinVar:

ClinVar aggregate classification (germline): Uncertain significance (1 of 4 stars; one submission).

gnomAD v4.1: 1 of 1,613,900 alleles (0.000062%); no homozygotes.

Submission:

Labcorp Genetics (formerly Invitae), Labcorp
Classification: Uncertain significance. Last evaluated: 2022-05-29. Review status: criteria provided, single submitter. Criteria: Invitae Variant Classification Sherloc (09022015). Collection method: clinical testing. Allele origin: germline.
Comment: This sequence change falls in intron 8 of the FH gene. It does not directly change the encoded amino acid sequence of the FH protein. It affects a nucleotide within the consensus splice site. This variant is not present in population databases (gnomAD no frequency). In summary, the available evidence is currently insufficient to determine the role of this variant in disease. Therefore, it has been classified as a Variant of Uncertain Significance. Variants that disrupt the consensus splice site are a relatively common cause of aberrant splicing (PMID: 17576681, 9536098). Algorithms developed to predict the effect of sequence changes on RNA splicing suggest that this variant is not likely to affect RNA splicing. This variant has not been reported in the literature in individuals affected with FH-related conditions.

Literature cited by the submitters: PubMed 17576681; PubMed 9536098.

NM_000143.4(FH):c.1236+6C>A

Gene: FH (fumarate hydratase; minus strand). Cytogenetic location: 1q43.
Variant type: single nucleotide variant.
Coding change: c.1236+6C>A on transcript NM_000143.4 (MANE Select); 6 bases into the intron after coding-DNA position 1236, C replaced by A.
Molecular consequence: intron variant.
Genome position (GRCh38, 1-based): chr1:241,502,437, G>T on the plus strand (C>A on the coding strand, the complement: FH is on the minus strand). VCF-style: chr1-241502437-G-T. GRCh37 (hg19) VCF-style: chr1-241665737-G-T.
Identifiers: ClinVar variation 2093121 (VCV002093121.4), dbSNP rs2527316484, ClinGen allele CA2580063469.